The following is an entry in ClinVar:

ClinVar aggregate classification (germline): Uncertain significance (1 of 4 stars; one submission).

gnomAD v4.1: 10 of 1,614,022 alleles (0.00062%); highest among the groups gnomAD compares: African/African-American, 0.013%; no homozygotes.

Submission:

Labcorp Genetics (formerly Invitae), Labcorp
Classification: Uncertain significance. Last evaluated: 2021-09-01. Review status: criteria provided, single submitter. Criteria: Invitae Variant Classification Sherloc (09022015). Collection method: clinical testing. Allele origin: germline.
Comment: This sequence change replaces valine with leucine at codon 79 of the TRAF3IP1 protein (p.Val79Leu). The valine residue is moderately conserved and there is a small physicochemical difference between valine and leucine. This variant is present in population databases (rs771514528, ExAC 0.02%). This variant has not been reported in the literature in individuals affected with TRAF3IP1-related conditions. Algorithms developed to predict the effect of missense changes on protein structure and function (SIFT, PolyPhen-2, Align-GVGD) all suggest that this variant is likely to be tolerated. In summary, the available evidence is currently insufficient to determine the role of this variant in disease. Therefore, it has been classified as a Variant of Uncertain Significance.

NM_015650.4(TRAF3IP1):c.235G>C (p.Val79Leu)

Gene: TRAF3IP1 (TRAF3 interacting protein 1; plus strand). Cytogenetic location: 2q37.3.
Variant type: single nucleotide variant.
Coding change: c.235G>C on transcript NM_015650.4 (MANE Select); coding-DNA position 235, G replaced by C.
Protein change: p.Val79Leu; replaces valine 79 with leucine.
Molecular consequence: missense variant.
Genome position (GRCh38, 1-based): chr2:238,325,851, G>C. VCF-style: chr2-238325851-G-C. GRCh37 (hg19) VCF-style: chr2-239234492-G-C.
Other names: c.235G>C, p.Val79Leu (NM_001139490.1); short protein forms V79L.
Identifiers: ClinVar variation 1431627 (VCV001431627.5), dbSNP rs771514528, ClinGen allele CA2197991.